The following is an entry in ClinVar:

NM_003265.3(TLR3):c.2095A>G (p.Ser699Gly)

Gene: TLR3 (toll like receptor 3; plus strand). Cytogenetic location: 4q35.1.
Variant type: single nucleotide variant.
Coding change: c.2095A>G on transcript NM_003265.3 (MANE Select); coding-DNA position 2095, A replaced by G.
Protein change: p.Ser699Gly; replaces serine 699 with glycine.
Molecular consequence: missense variant.
Genome position (GRCh38, 1-based): chr4:186,083,781, A>G. VCF-style: chr4-186083781-A-G. GRCh37 (hg19) VCF-style: chr4-187004935-A-G.
Other names: short protein forms S699G.
Identifiers: ClinVar variation 2119381 (VCV002119381.4), dbSNP rs2478228953, ClinGen allele CA358934954.

ClinVar aggregate classification (germline): Uncertain significance (1 of 4 stars; one submission).

Conditions:
Encephalopathy, acute, infection-induced (herpes-specific), susceptibility to, 1. Also called: Herpes simplex encephalitis, susceptibility to, 1. Identifiers: Orphanet 1930, MedGen C2750180, MONDO:0024563, OMIM 610551.

Allele frequency attached by ClinVar (database versions not stated): gnomAD exomes below 0.00001.
gnomAD v4.1: 1 of 1,614,054 alleles (0.000062%); highest among the groups gnomAD compares: African/African-American, 0.0013%; no homozygotes.

Submission:

Labcorp Genetics (formerly Invitae), Labcorp
Classification: Uncertain significance for Encephalopathy, acute, infection-induced (herpes-specific), susceptibility to, 1. Last evaluated: 2022-03-29. Review status: criteria provided, single submitter. Criteria: Invitae Variant Classification Sherloc (09022015). Collection method: clinical testing. Allele origin: germline.
Comment: This variant has not been reported in the literature in individuals affected with TLR3-related conditions. In summary, the available evidence is currently insufficient to determine the role of this variant in disease. Therefore, it has been classified as a Variant of Uncertain Significance. Algorithms developed to predict the effect of missense changes on protein structure and function are either unavailable or do not agree on the potential impact of this missense change (SIFT: "Tolerated"; PolyPhen-2: "Possibly Damaging"; Align-GVGD: "Class C0"). This variant is not present in population databases (gnomAD no frequency). This sequence change replaces serine, which is neutral and polar, with glycine, which is neutral and non-polar, at codon 699 of the TLR3 protein (p.Ser699Gly).